The following is an entry in ClinVar:

ClinVar aggregate classification (germline): Conflicting classifications of pathogenicity. Review status: criteria provided, conflicting classifications (1 of 4 stars). 2 submissions from 2 submitters: Pathogenic (1); Uncertain significance (1). Last evaluated 2025-10-28.

Allele frequency attached by ClinVar (database versions not stated): TOPMed below 0.00001; gnomAD exomes 0.00001.
gnomAD v4.1: 19 of 1,613,548 alleles (0.0012%); highest among the groups gnomAD compares: Admixed American, 0.0017%; no homozygotes.

Submissions (2):

Women's Health and Genetics/Laboratory Corporation of America, LabCorp
Classification: Uncertain significance. Last evaluated: 2025-10-28. Review status: criteria provided, single submitter. Criteria: LabCorp Variant Classification Summary - May 2015. Collection method: clinical testing. Allele origin: germline.
Comment: Variant summary: SLC26A3 c.2143G>A (p.Asp715Asn) results in a conservative amino acid change in the encoded protein sequence. Algorithms developed to predict the effect of missense changes on protein structure and function are either unavailable or do not agree on the potential impact of this missense change. The variant was absent in 250706 control chromosomes. The available data on variant occurrences in the general population are insufficient to allow any conclusion about variant significance. c.2143G>A has been observed in an individual affected with Congenital secretory diarrhea, chloride type (Konishi_2020). These data do not allow any conclusion about variant significance. To our knowledge, no experimental evidence demonstrating an impact on protein function has been reported. ClinVar contains an entry for this variant (Variation ID: 1962004). Based on the evidence outlined above, the variant was classified as uncertain significance.

Labcorp Genetics (formerly Invitae), Labcorp
Classification: Pathogenic. Last evaluated: 2023-10-15. Review status: criteria provided, single submitter. Criteria: Invitae Variant Classification Sherloc (09022015). Collection method: clinical testing. Allele origin: germline.
Comment: This sequence change replaces aspartic acid, which is acidic and polar, with asparagine, which is neutral and polar, at codon 715 of the SLC26A3 protein (p.Asp715Asn). This variant is not present in population databases (gnomAD no frequency). This missense change has been observed in individual(s) with congenital chloride diarrhea (PMID: 33124714). In at least one individual the data is consistent with being in trans (on the opposite chromosome) from a pathogenic variant. ClinVar contains an entry for this variant (Variation ID: 1962004). Advanced modeling of protein sequence and biophysical properties (such as structural, functional, and spatial information, amino acid conservation, physicochemical variation, residue mobility, and thermodynamic stability) performed at Invitae indicates that this missense variant is expected to disrupt SLC26A3 protein function. For these reasons, this variant has been classified as Pathogenic.

Literature cited by the submitters: PubMed 33124714 (cited by Women's Health and Genetics/Laboratory Corporation of America, LabCorp and Labcorp Genetics (formerly Invitae), Labcorp).

NM_000111.3(SLC26A3):c.2143G>A (p.Asp715Asn)

Gene: SLC26A3 (solute carrier family 26 member 3; minus strand). Cytogenetic location: 7q22.3.
Variant type: single nucleotide variant.
Coding change: c.2143G>A on transcript NM_000111.3 (MANE Select); coding-DNA position 2143, G replaced by A.
Protein change: p.Asp715Asn; replaces aspartic acid 715 with asparagine.
Molecular consequence: missense variant.
Genome position (GRCh38, 1-based): chr7:107,767,828, C>T on the plus strand (G>A on the coding strand, the complement: SLC26A3 is on the minus strand). VCF-style: chr7-107767828-C-T. GRCh37 (hg19) VCF-style: chr7-107408273-C-T.
Other names: short protein forms D715N.
Identifiers: ClinVar variation 1962004 (VCV001962004.8), dbSNP rs1793940326, ClinGen allele CA368849640.